The following is an entry in ClinVar:

ClinVar aggregate classification (germline): Conflicting classifications of pathogenicity. Review status: criteria provided, conflicting classifications (1 of 4 stars). 4 submissions from 3 submitters: Uncertain significance (3); Likely benign (1). Last evaluated 2023-05-22.

Conditions:
Noonan syndrome 4 (NS4). Also called: SOS1-Related Noonan Syndrome; NOONAN SYNDROME WITH PIGMENTED VILLONODULAR SYNOVITIS. Identifiers: Orphanet 648, MedGen C1853120, MONDO:0012547, OMIM 610733.
Fibromatosis, gingival, 1 (GINGF1). Identifiers: Orphanet 2024, MedGen C4551558, MONDO:0007609, OMIM 135300.
RASopathy. Also called: Noonan spectrum disorder; rasopathies. Identifiers: Orphanet 536391, MedGen C5555857, MONDO:0021060.

Allele frequency attached by ClinVar (database versions not stated): gnomAD exomes below 0.00001 and 0.00001; ExAC 0.00001; gnomAD 0.00001.
gnomAD v4.1: 6 of 1,613,562 alleles (0.00037%); highest among the groups gnomAD compares: Non-Finnish European, 0.00051%; no homozygotes.

Submissions (4):

Labcorp Genetics (formerly Invitae), Labcorp
Classification: Likely benign for RASopathy. Last evaluated: 2023-05-22. Review status: criteria provided, single submitter. Criteria: Invitae Variant Classification Sherloc (09022015). Collection method: clinical testing. Allele origin: germline.

GeneDx
Classification: Uncertain significance. Last evaluated: 2016-07-04. Review status: criteria provided, single submitter. Criteria: GeneDx Variant Classification (06012015). Collection method: clinical testing. Allele origin: germline. Affected: yes.
Comment: The I542M variant in the SOS1 gene has not been reported previously as a pathogenic variant, nor as a benign variant, to our knowledge. The I542M variant was not observed in approximately 6,500 individuals of European and African American ancestry in the NHLBI Exome Sequencing Project, indicating it is not a common benign variant in these populations. The I542M variant is a conservative amino acid substitution, which occurs at a position where amino acids with similar properties to Isoleucine are tolerated across species. In silico analysis predicts this variant is probably damaging to the protein structure/function. We interpret I542M as a variant of uncertain significance

Genome-Nilou Lab
Classification: Uncertain significance for Noonan syndrome 4. Review status: criteria provided, single submitter. Criteria: ACMG Guidelines, 2015. Collection method: clinical testing. Allele origin: germline.

Genome-Nilou Lab
Classification: Uncertain significance for Fibromatosis, gingival, 1. Review status: criteria provided, single submitter. Criteria: ACMG Guidelines, 2015. Collection method: clinical testing. Allele origin: germline.

NM_005633.4(SOS1):c.1626A>G (p.Ile542Met)

Gene: SOS1 (SOS Ras/Rac guanine nucleotide exchange factor 1; minus strand). Cytogenetic location: 2p22.1.
Variant type: single nucleotide variant.
Coding change: c.1626A>G on transcript NM_005633.4 (MANE Select); coding-DNA position 1626, A replaced by G.
Protein change: p.Ile542Met; replaces isoleucine 542 with methionine.
Molecular consequence: missense variant.
Genome position (GRCh38, 1-based): chr2:39,022,802, T>C on the plus strand (A>G on the coding strand, the complement: SOS1 is on the minus strand). VCF-style: chr2-39022802-T-C. GRCh37 (hg19) VCF-style: chr2-39249943-T-C.
Other names: c.1605A>G, p.Ile535Met (NM_001382394.1); c.1626A>G, p.Ile542Met (NM_001382395.1); short protein forms I542M, I535M.
Identifiers: ClinVar variation 280694 (VCV000280694.8), dbSNP rs746798986, ClinGen allele CA1624573.